The following is an entry in ClinVar:

ClinVar aggregate classification (germline): Uncertain significance (1 of 4 stars; one submission).

Conditions:
Familial adenomatous polyposis 1 (FAP1). Also called: FAMILIAL ADENOMATOUS POLYPOSIS 1, ATTENUATED; POLYPOSIS, ADENOMATOUS INTESTINAL. Identifiers: MedGen C2713442, MONDO:0021056, OMIM 175100. Disease mechanism: loss of function.

Submission:

Labcorp Genetics (formerly Invitae), Labcorp
Classification: Uncertain significance for Familial adenomatous polyposis 1. Last evaluated: 2024-12-26. Review status: criteria provided, single submitter. Criteria: Invitae Variant Classification Sherloc (09022015). Collection method: clinical testing. Allele origin: germline.
Comment: This sequence change replaces serine, which is neutral and polar, with glycine, which is neutral and non-polar, at codon 54 of the APC protein (p.Ser54Gly). This variant is not present in population databases (gnomAD no frequency). This variant has not been reported in the literature in individuals affected with APC-related conditions. Invitae Evidence Modeling of protein sequence and biophysical properties (such as structural, functional, and spatial information, amino acid conservation, physicochemical variation, residue mobility, and thermodynamic stability) indicates that this missense variant is not expected to disrupt APC protein function with a negative predictive value of 95%. In summary, the available evidence is currently insufficient to determine the role of this variant in disease. Therefore, it has been classified as a Variant of Uncertain Significance.

NM_000038.6(APC):c.160A>G (p.Ser54Gly)

Gene: APC (APC regulator of Wnt signaling pathway; plus strand). Cytogenetic location: 5q22.2.
Variant type: single nucleotide variant.
Coding change: c.160A>G on transcript NM_000038.6 (MANE Select); coding-DNA position 160, A replaced by G.
Protein change: p.Ser54Gly; replaces serine 54 with glycine.
Molecular consequence: missense variant. On other transcripts: 5 prime UTR variant (8), non-coding transcript variant (2).
Genome position (GRCh38, 1-based): chr5:112,766,350, A>G. VCF-style: chr5-112766350-A-G. GRCh37 (hg19) VCF-style: chr5-112102047-A-G.
Other names: c.160A>G, p.Ser54Gly (NM_001127510.3, NM_001354895.2, NM_001354896.2 and 16 more transcripts); c.190A>G, p.Ser64Gly (NM_001127511.3, NM_001354897.2, NM_001354902.2 and 1 more transcripts); c.85A>G, p.Ser29Gly (NM_001354898.2, NM_001354904.2, NM_001407451.1); c.-18A>G (NM_001354900.2, NM_001354901.2, NM_001354905.2 and 1 more transcripts); c.-876A>G (NM_001354906.2, NM_001407470.1, NM_001407471.1 and 1 more transcripts); short protein forms S29G, S64G, S54G.
Identifiers: ClinVar variation 3635392 (VCV003635392.2).